The following is an entry in ClinVar:

ClinVar aggregate classification (germline): Uncertain significance (1 of 4 stars; one submission).

Conditions:
Complex cortical dysplasia with other brain malformations 5. Identifiers: MedGen C3810407, MONDO:0014337, OMIM 615763.

Submission:

Broad Center for Mendelian Genomics, Broad Institute of MIT and Harvard
Classification: Uncertain significance for Complex cortical dysplasia with other brain malformations 5. Last evaluated: 2026-10-09. Review status: criteria provided, single submitter. Criteria: ACMG Guidelines, 2015. Collection method: research. Allele origin: germline. Inheritance: Autosomal dominant inheritance.
Comment: Trio exome analysis showed this variant to be de novo. The variant has not been previously reported in individuals with cortical dysplasia, complex, with other brain malformations 5 and was absent from large population studies. Computational prediction tools and conservation analyses suggest that this variant may impact the protein, though this information is not predictive enough to determine pathogenicity. The number of missense variants reported in TUBB2A in the general population is lower than expected, suggesting there is little benign variation in this gene and slightly increasing the possibility that a missense variant in this gene may not be tolerated. In summary, the clinical significance of the p.Asp203Glu variant is uncertain. ACMG/AMP Criteria applied: PS2_Supporting, PP3, PP2, PM2_Supporting (Richards 2015).

NM_001069.3(TUBB2A):c.609T>A (p.Asp203Glu)

Gene: TUBB2A (tubulin beta 2A class IIa; minus strand). Cytogenetic location: 6p25.2.
Variant type: single nucleotide variant.
Coding change: c.609T>A on transcript NM_001069.3 (MANE Select); coding-DNA position 609, T replaced by A.
Protein change: p.Asp203Glu; replaces aspartic acid 203 with glutamic acid.
Molecular consequence: missense variant.
Genome position (GRCh38, 1-based): chr6:3,154,592, A>T on the plus strand (T>A on the coding strand, the complement: TUBB2A is on the minus strand). VCF-style: chr6-3154592-A-T. GRCh37 (hg19) VCF-style: chr6-3154826-A-T.
Other names: NM_001310315.2:c.354T>A; c.354T>A, p.Asp118Glu (NM_001310315.2); short protein forms D118E, D203E.
Identifiers: ClinVar variation 5021474 (VCV005021474.1).